The following is an entry in ClinVar:

NM_000138.5(FBN1):c.5717G>A (p.Arg1906Gln)

Gene: FBN1 (fibrillin 1; minus strand). Cytogenetic location: 15q21.1.
Variant type: single nucleotide variant.
Coding change: c.5717G>A on transcript NM_000138.5 (MANE Select); coding-DNA position 5717, G replaced by A.
Protein change: p.Arg1906Gln; replaces arginine 1906 with glutamine.
Molecular consequence: missense variant.
Genome position (GRCh38, 1-based): chr15:48,446,777, C>T on the plus strand (G>A on the coding strand, the complement: FBN1 is on the minus strand). VCF-style: chr15-48446777-C-T. GRCh37 (hg19) VCF-style: chr15-48738974-C-T.
Other names: short protein forms R1906Q.
Identifiers: ClinVar variation 1485981 (VCV001485981.12), dbSNP rs774798866, ClinGen allele CA055444.

ClinVar aggregate classification (germline): Conflicting classifications of pathogenicity. Review status: criteria provided, conflicting classifications (1 of 4 stars). 5 submissions from 5 submitters: Uncertain significance (4); Likely benign (1). Last evaluated 2026-09-08.

Conditions:
Familial thoracic aortic aneurysm and aortic dissection (TAAD). Also called: Thoracic aortic aneurysms and dissections. Identifiers: Orphanet 91387, MedGen C4707243, MONDO:0019625.
Marfan syndrome (MFS). Also called: MARFAN SYNDROME, TYPE I; Marfan syndrome type 1; Marfan's syndrome; Marfan syndrome, classic; FBN1-Related Marfan Syndrome. Identifiers: Orphanet 284963, Orphanet 558, MedGen C0024796, MONDO:0007947, OMIM 154700.
Geleophysic dysplasia 2 (GPHYSD2). Identifiers: Orphanet 2623, MedGen C3280054, MONDO:0013612, OMIM 614185.
Progeroid and marfanoid aspect-lipodystrophy syndrome. Also called: MARFANOID-PROGEROID-LIPODYSTROPHY SYNDROME; MARFANOID-PROGEROID SYNDROME; MARFAN-PROGEROID-LIPODYSTROPHY SYNDROME; Marfan lipodystrophy syndrome. Identifiers: Orphanet 300382, MedGen C4310796, MONDO:0014831, OMIM 616914.
Ectopia lentis 1, isolated, autosomal dominant (ECTOL1). Identifiers: Orphanet 1885, MedGen C3541518, MONDO:0007514, OMIM 129600.
Stiff skin syndrome (SSKS). Identifiers: Orphanet 2833, MedGen C1861456, MONDO:0008492, OMIM 184900.
MASS syndrome (OCTD). Also called: MASS PHENOTYPE; OVERLAP CONNECTIVE TISSUE DISEASE. Identifiers: MedGen C1858556, MONDO:0011431, OMIM 604308.
Acromicric dysplasia (ACMICD). Also called: Acromicric skeletal dysplasia. Identifiers: Orphanet 969, MedGen C0265287, MONDO:0007055, OMIM 102370.
Weill-Marchesani syndrome 2, dominant. Also called: Weill-Marchesani Syndrome, Autosomal Dominant; FBN1-Related Weill-Marchesani Syndrome. Identifiers: Orphanet 2084, MedGen C1869115, MONDO:0012013, OMIM 608328.

Allele frequency attached by ClinVar (database versions not stated): ExAC 0.00001; TOPMed 0.00002; gnomAD exomes 0.00003 and 0.00001; gnomAD 0.00003 and 0.00004.
gnomAD v4.1: 18 of 1,613,082 alleles (0.0011%); highest among the groups gnomAD compares: East Asian, 0.018%; no homozygotes.

Submissions (5):

GeneDx
Classification: Uncertain significance. Last evaluated: 2026-09-08. Review status: criteria provided, single submitter. Criteria: GeneDx Variant Classification Process June 2021. Collection method: clinical testing. Allele origin: germline.
Comment: Has not been previously published as pathogenic or benign to our knowledge; In silico analysis suggests that this missense variant does not alter protein structure/function; Does not affect a cysteine or calcium-binding residue within an EGF-like domain or a TGF-binding protein domain of the FBN1 gene; cysteine substitutions in the EGF-like domains represent the majority of pathogenic missense changes associated with FBN1-related disorders (PMID: 12938084); This variant is associated with the following publications: (PMID: 12938084)

Labcorp Genetics (formerly Invitae), Labcorp
Classification: Likely benign for Marfan syndrome; Familial thoracic aortic aneurysm and aortic dissection. Last evaluated: 2025-07-27. Review status: criteria provided, single submitter. Criteria: Invitae Variant Classification Sherloc (09022015). Collection method: clinical testing. Allele origin: germline.

All of Us Research Program, National Institutes of Health
Classification: Uncertain significance for Marfan syndrome. Last evaluated: 2023-11-20. Review status: criteria provided, single submitter. Criteria: ACMG Guidelines, 2015. Collection method: clinical testing. Allele origin: germline. Inheritance: Autosomal dominant inheritance. Observed: 1 variant allele, 1 heterozygote.
Comment: This missense variant replaces arginine with glutamine at codon 1906 of the FBN1 protein. Computational prediction suggests that this variant may not impact protein structure and function (internally defined REVEL score threshold <= 0.5, PMID: 27666373). To our knowledge, functional studies have not been reported for this variant. This variant has not been reported in individuals affected with cardiovascular disorders in the literature. This variant has been identified in 11/282396 chromosomes in the general population by the Genome Aggregation Database (gnomAD). The available evidence is insufficient to determine the role of this variant in disease conclusively. Therefore, this variant is classified as a Variant of Uncertain Significance.

This study involves interpretation of variants in research participants for the purpose of population health screening. Participant phenotype was not available at the time of variant classification. Additional details can be found in publication PMID: 35346344, PMCID: PMC8962531

Color Diagnostics, LLC DBA Color Health
Classification: Uncertain significance for Familial thoracic aortic aneurysm and aortic dissection. Last evaluated: 2023-10-25. Review status: criteria provided, single submitter. Criteria: ACMG Guidelines, 2015. Collection method: clinical testing. Allele origin: germline.
Comment: This missense variant replaces arginine with glutamine at codon 1906 of the FBN1 protein. Computational prediction suggests that this variant may not impact protein structure and function (internally defined REVEL score threshold <= 0.5, PMID: 27666373). To our knowledge, functional studies have not been reported for this variant. This variant has not been reported in individuals affected with FBN1-related disorders in the literature. This variant has been identified in 11/282396 chromosomes in the general population by the Genome Aggregation Database (gnomAD). The available evidence is insufficient to determine the role of this variant in disease conclusively. Therefore, this variant is classified as a Variant of Uncertain Significance.

Fulgent Genetics
Classification: Uncertain significance for Acromicric dysplasia; Ectopia lentis 1, isolated, autosomal dominant; Marfan syndrome; Stiff skin syndrome; MASS syndrome; Weill-Marchesani syndrome 2, dominant; Geleophysic dysplasia 2; Progeroid and marfanoid aspect-lipodystrophy syndrome. Last evaluated: 2022-02-14. Review status: criteria provided, single submitter. Criteria: ACMG Guidelines, 2015. Collection method: clinical testing. Allele origin: unknown.